The following is an entry in ClinVar:

NM_000632.4(ITGAM):c.2840C>G (p.Thr947Ser)

Gene: ITGAM (integrin subunit alpha M; plus strand). Cytogenetic location: 16p11.2.
Variant type: single nucleotide variant.
Coding change: c.2840C>G on transcript NM_000632.4 (MANE Select); coding-DNA position 2840, C replaced by G.
Protein change: p.Thr947Ser; replaces threonine 947 with serine.
Molecular consequence: missense variant.
Genome position (GRCh38, 1-based): chr16:31,329,275, C>G. VCF-style: chr16-31329275-C-G. GRCh37 (hg19) VCF-style: chr16-31340596-C-G.
Other names: c.2843C>G, p.Thr948Ser (NM_001145808.2); c.2840C>G (NM_000632.3); short protein forms T947S, T948S.
Identifiers: ClinVar variation 2721955 (VCV002721955.4), dbSNP rs762166382, ClinGen allele CA8025988.
Genomic context (GRCh38, chr16:31,329,275, plus strand): 5'-TTTCTCCCTTCAGCCATGGGGTCTCCACTAAATATCTCAACTTCACGGCCTCAGAGAATA[C>G]CAGTCGGGTCATGCAGCATCAATATCAGGTGGGCAGCTGGGACGTCTGGGTCCTGAGAAG-3'
Protein context (NP_000623.2, residues 937-957): KYLNFTASEN[Thr947Ser]SRVMQHQYQV

ClinVar aggregate classification (germline): Uncertain significance. Review status: criteria provided, multiple submitters, no conflicts (2 of 4 stars). 2 submissions from 2 submitters: Uncertain significance (2). Last evaluated 2025-12-28.

Allele frequency attached by ClinVar (database versions not stated): TOPMed 0.00004; ExAC 0.00001; gnomAD 0.00001.
gnomAD v4.1: 12 of 1,612,738 alleles (0.00074%); highest among the groups gnomAD compares: Admixed American, 0.005%; no homozygotes.

Submissions (2):

Labcorp Genetics (formerly Invitae), Labcorp
Classification: Uncertain significance. Last evaluated: 2025-12-28. Review status: criteria provided, single submitter. Criteria: Invitae Variant Classification Sherloc (09022015). Collection method: clinical testing. Allele origin: germline.
Comment: This sequence change replaces threonine, which is neutral and polar, with serine, which is neutral and polar, at codon 947 of the ITGAM protein (p.Thr947Ser). This variant is present in population databases (rs762166382, gnomAD 0.006%). This variant has not been reported in the literature in individuals affected with ITGAM-related conditions. ClinVar contains an entry for this variant (Variation ID: 2721955). An algorithm developed to predict the effect of missense changes on protein structure and function outputs the following: PolyPhen-2: "Benign". The serine amino acid residue is found in multiple mammalian species, which suggests that this missense change does not adversely affect protein function. In summary, the available evidence is currently insufficient to determine the role of this variant in disease. Therefore, it has been classified as a Variant of Uncertain Significance.

Ambry Genetics
Classification: Uncertain significance. Last evaluated: 2025-08-14. Review status: criteria provided, single submitter. Criteria: Ambry Variant Classification Scheme 2023. Collection method: clinical testing. Allele origin: germline.